The following is an entry in ClinVar:

ClinVar aggregate classification (germline): Pathogenic (1 of 4 stars; one submission).

Conditions:
Spastic paraplegia. Identifiers: MedGen C0037772, HP:0001258.

Submission:

Labcorp Genetics (formerly Invitae), Labcorp
Classification: Pathogenic for Spastic paraplegia. Last evaluated: 2023-02-25. Review status: criteria provided, single submitter. Criteria: Invitae Variant Classification Sherloc (09022015). Collection method: clinical testing. Allele origin: germline.
Comment: This sequence change creates a premature translational stop signal (p.Leu2257Cysfs*5) in the SACS gene. While this is not anticipated to result in nonsense mediated decay, it is expected to disrupt the last 2323 amino acid(s) of the SACS protein. This variant is not present in population databases (gnomAD no frequency). This variant has not been reported in the literature in individuals affected with SACS-related conditions. This variant disrupts a region of the SACS protein in which other variant(s) (p.Asn4549Asp) have been determined to be pathogenic (PMID: 15156359, 21507954). This suggests that this is a clinically significant region of the protein, and that variants that disrupt it are likely to be disease-causing. For these reasons, this variant has been classified as Pathogenic.

Literature cited by the submitters: PubMed 15156359; PubMed 21507954.

NM_014363.6(SACS):c.6770del (p.Leu2257fs)

Gene: SACS (sacsin molecular chaperone; minus strand). Cytogenetic location: 13q12.12.
Variant type: Deletion.
Coding change: c.6770del on transcript NM_014363.6 (MANE Select); coding-DNA position 6770, one base deleted (T; older notation c.6770delT).
Protein change: p.Leu2257fs; shifts the reading frame from leucine 2257.
Molecular consequence: frameshift variant.
Genome position (GRCh38, 1-based): chr13:23,337,106, A deleted on the plus strand (T on the coding strand, the reverse complement: SACS is on the minus strand); the first of 4 consecutive A bases (chr13:23,337,106-23,337,109); deleting any one gives the same sequence. VCF-style (leftmost placement, unchanged base first): chr13-23337105-CA-C. GRCh37 (hg19) VCF-style: chr13-23911244-CA-C.
Other names: c.6329del, p.Leu2110fs (NM_001278055.2); short protein forms L2257fs, L2110fs.
Identifiers: ClinVar variation 2982856 (VCV002982856.3), dbSNP rs2542244595, ClinGen allele CA2740097640.